The following is an entry in ClinVar:

NM_006939.4(SOS2):c.2363T>A (p.Leu788His)

Gene: SOS2 (SOS Ras/Rho guanine nucleotide exchange factor 2; minus strand). Cytogenetic location: 14q21.3.
Variant type: single nucleotide variant.
Coding change: c.2363T>A on transcript NM_006939.4 (MANE Select); coding-DNA position 2363, T replaced by A.
Protein change: p.Leu788His; replaces leucine 788 with histidine.
Molecular consequence: missense variant.
Genome position (GRCh38, 1-based): chr14:50,150,029, A>T on the plus strand (T>A on the coding strand, the complement: SOS2 is on the minus strand). VCF-style: chr14-50150029-A-T. GRCh37 (hg19) VCF-style: chr14-50616747-A-T.
Other names: c.2264T>A, p.Leu755His (NM_001411020.1); short protein forms L788H, L755H.
Identifiers: ClinVar variation 3636089 (VCV003636089.2).

ClinVar aggregate classification (germline): Uncertain significance (1 of 4 stars; one submission).

Conditions:
Noonan syndrome 9 (NS9). Identifiers: Orphanet 648, MedGen C4225282, MONDO:0014691, OMIM 616559.

gnomAD v4.1: 1 of 1,611,112 alleles (0.000062%); highest among the groups gnomAD compares: African/African-American, 0.0013%; no homozygotes.

Submission:

Labcorp Genetics (formerly Invitae), Labcorp
Classification: Uncertain significance for Noonan syndrome 9. Last evaluated: 2024-10-27. Review status: criteria provided, single submitter. Criteria: Invitae Variant Classification Sherloc (09022015). Collection method: clinical testing. Allele origin: germline.
Comment: This sequence change replaces leucine, which is neutral and non-polar, with histidine, which is basic and polar, at codon 788 of the SOS2 protein (p.Leu788His). This variant is not present in population databases (gnomAD no frequency). This variant has not been reported in the literature in individuals affected with SOS2-related conditions. Invitae Evidence Modeling of protein sequence and biophysical properties (such as structural, functional, and spatial information, amino acid conservation, physicochemical variation, residue mobility, and thermodynamic stability) has been performed for this missense variant. However, the output from this modeling did not meet the statistical confidence thresholds required to predict the impact of this variant on SOS2 protein function. In summary, the available evidence is currently insufficient to determine the role of this variant in disease. Therefore, it has been classified as a Variant of Uncertain Significance.